The following is an entry in ClinVar:

ClinVar aggregate classification (germline): Uncertain significance (1 of 4 stars; one submission).

Submission:

Labcorp Genetics (formerly Invitae), Labcorp
Classification: Uncertain significance. Last evaluated: 2024-04-12. Review status: criteria provided, single submitter. Criteria: Invitae Variant Classification Sherloc (09022015). Collection method: clinical testing. Allele origin: germline.
Comment: This sequence change replaces serine, which is neutral and polar, with asparagine, which is neutral and polar, at codon 36 of the PACS2 protein (p.Ser36Asn). This variant is not present in population databases (gnomAD no frequency). This variant has not been reported in the literature in individuals affected with PACS2-related conditions. An algorithm developed to predict the effect of missense changes on protein structure and function (PolyPhen-2) suggests that this variant is likely to be tolerated. In summary, the available evidence is currently insufficient to determine the role of this variant in disease. Therefore, it has been classified as a Variant of Uncertain Significance.

NM_001100913.3(PACS2):c.107G>A (p.Ser36Asn)

Genes: BRF1 (BRF1 general transcription factor IIIB subunit; minus strand), PACS2 (phosphofurin acidic cluster sorting protein 2; plus strand), LOC130056677 (ATAC-STARR-seq lymphoblastoid silent region 6228; plus strand). Cytogenetic location: 14q32.33.
Variant type: single nucleotide variant.
Coding change: c.107G>A on transcript NM_001100913.3 (MANE Select); coding-DNA position 107, G replaced by A.
Protein change: p.Ser36Asn; replaces serine 36 with asparagine.
Molecular consequence: missense variant. On other transcripts: intron variant (4).
Genome position (GRCh38, 1-based): chr14:105,315,025, G>A. VCF-style: chr14-105315025-G-A. GRCh37 (hg19) VCF-style: chr14-105781362-G-A.
Other names: c.107G>A, p.Ser36Asn (NM_015197.4); c.-162+297C>T (NM_001440451.1, NM_001242787.2, NM_001242786.2); c.-83+14046G>A (NM_001243127.3); short protein forms S36N.
Identifiers: ClinVar variation 3687213 (VCV003687213.2).
Genomic context (GRCh38, chr14:105,315,025, plus strand): 5'-TCAACACGCCCGTGCCCATGAACCTGTTCGCCACCTGGGAGGTGGACGGCTCCAGCCCCA[G>A]CTGCGTGCCCAGGTACGCGCCGCCCGCCGCGCTTTGTTCCCGCCGGGCACCTGCTGGGGG-3'
Protein context (NP_001094383.2, residues 26-46): ATWEVDGSSP[Ser36Asn]CVPRLCSLTL